The following is an entry in ClinVar:

NM_000512.5(GALNS):c.1447C>T (p.Gln483Ter)

Genes: GALNS (galactosamine (N-acetyl)-6-sulfatase; minus strand), LOC126862447 (CDK7 strongly-dependent group 2 enhancer GRCh37_chr16:88884193-88885392; plus strand). Cytogenetic location: 16q24.3.
Variant type: single nucleotide variant.
Coding change: c.1447C>T on transcript NM_000512.5 (MANE Select); coding-DNA position 1447, C replaced by T.
Protein change: p.Gln483Ter; replaces glutamine 483 with a stop codon.
Molecular consequence: nonsense.
Genome position (GRCh38, 1-based): chr16:88,818,042, G>A on the plus strand (C>T on the coding strand, the complement: GALNS is on the minus strand). VCF-style: chr16-88818042-G-A. GRCh37 (hg19) VCF-style: chr16-88884450-G-A.
Other names: c.892C>T, p.Gln298Ter (NM_001323543.2); c.1465C>T, p.Gln489Ter (NM_001323544.2); short protein forms Q298*, Q483*, Q489*.
Identifiers: ClinVar variation 1048240 (VCV001048240.3), dbSNP rs2142982313, ClinGen allele CA397094222.

ClinVar aggregate classification (germline): Likely pathogenic (1 of 4 stars; one submission).

Conditions:
Mucopolysaccharidosis, MPS-IV-A (MPS4A). Also called: Mucopolysaccharidosis type IV A; Mucopolysaccharidosis Type IVA; Morquio syndrome A, mild; MORQUIO SYNDROME A; MPS IVA; mucopolysaccharidosis type 4A. Identifiers: Orphanet 309297, Orphanet 582, MedGen C0086651, MONDO:0009659, OMIM 253000.

Submission:

Laboratory of Diagnosis and Therapy of Lysosomal Disorders, University of Padova
Classification: Likely pathogenic for Mucopolysaccharidosis, MPS-IV-A. Last evaluated: 2021-02-01. Review status: criteria provided, single submitter. Criteria: ACMG Guidelines, 2015. Collection method: research. Allele origin: germline. Affected: yes.
Comment: Nonsense variant (PVS1_strong); absent from gnomAD v2.1.1 (PM2_moderate)

Literature cited by the submitters: PubMed 34387910.